The following is an entry in ClinVar:

ClinVar aggregate classification (germline): Uncertain significance. Review status: criteria provided, multiple submitters, no conflicts (2 of 4 stars). 2 submissions from 2 submitters: Uncertain significance (2). Last evaluated 2025-07-08.

Conditions:
Malignant hyperthermia, susceptibility to, 5 (MHS5). Also called: CACNA1S-Related Malignant Hyperthermia Susceptibility. Identifiers: Orphanet 423, MedGen C1866077, MONDO:0011163, OMIM 601887.
Hypokalemic periodic paralysis, type 1. Also called: Hypokalemic Periodic Paralysis Type 1 (AD); HypoPP. Identifiers: Orphanet 681, MedGen C3714580, MONDO:0042979, OMIM 170400.
Congenital myopathy 18. Also called: Myopathy, congenital, due to dihydropyridine receptor defect; DIHYDROPYRIDINE RECEPTOR CONGENITAL MYOPATHY; DHPR CONGENITAL MYOPATHY. Identifiers: MedGen C5830283, MONDO:0859514, OMIM 620246.
Thyrotoxic periodic paralysis, susceptibility to, 1 (TTPP1). Identifiers: Orphanet 79102, MedGen C2749982, MONDO:0008570, OMIM 188580.

gnomAD v4.1: 1 of 1,614,086 alleles (0.000062%); highest among the groups gnomAD compares: African/African-American, 0.0013%; no homozygotes.

Submissions (2):

Color Diagnostics, LLC DBA Color Health
Classification: Uncertain significance for Malignant hyperthermia, susceptibility to, 5. Last evaluated: 2025-07-08. Review status: criteria provided, single submitter. Criteria: ACMG Guidelines, 2015. Collection method: clinical testing. Allele origin: germline.
Comment: This missense variant replaces phenylalanine with cysteine at codon 1068 of the CACNA1S protein. Computational prediction suggests that this variant may have deleterious impact on protein structure and function. To our knowledge, functional studies have not been reported for this variant. This variant has not been reported in individuals affected with CACNA1S-related disorders in the literature. This variant has been identified in 1/251476 chromosomes in the general population by the Genome Aggregation Database (gnomAD). The available evidence is insufficient to determine the role of this variant in disease conclusively. Therefore, this variant is classified as a Variant of Uncertain Significance.

Fulgent Genetics
Classification: Uncertain significance for Hypokalemic periodic paralysis, type 1; Thyrotoxic periodic paralysis, susceptibility to, 1; Malignant hyperthermia, susceptibility to, 5; Congenital myopathy 18. Last evaluated: 2024-04-08. Review status: criteria provided, single submitter. Criteria: ACMG Guidelines, 2015. Collection method: clinical testing. Allele origin: germline.

NM_000069.3(CACNA1S):c.3203T>G (p.Phe1068Cys)

Gene: CACNA1S (calcium voltage-gated channel subunit alpha1 S; minus strand). Cytogenetic location: 1q32.1.
Variant type: single nucleotide variant.
Coding change: c.3203T>G on transcript NM_000069.3 (MANE Select); coding-DNA position 3203, T replaced by G.
Protein change: p.Phe1068Cys; replaces phenylalanine 1068 with cysteine.
Molecular consequence: missense variant.
Genome position (GRCh38, 1-based): chr1:201,061,319, A>C on the plus strand (T>G on the coding strand, the complement: CACNA1S is on the minus strand). VCF-style: chr1-201061319-A-C. GRCh37 (hg19) VCF-style: chr1-201030447-A-C.
Other names: short protein forms F1068C.
Identifiers: ClinVar variation 3577103 (VCV003577103.2).